The following is an entry in ClinVar:

ClinVar aggregate classification (germline): Conflicting classifications of pathogenicity. Review status: criteria provided, conflicting classifications (1 of 4 stars). 8 submissions from 8 submitters: Uncertain significance (6); Likely benign (2). Last evaluated 2026-03-17.

Conditions:
ADGRV1-related disorder. Also called: ADGRV1-related condition; ADGRV1-related disorders.
Usher syndrome type 2C. Also called: Usher syndrome, type 2B; USHER SYNDROME, TYPE IIC. Identifiers: Orphanet 231178, Orphanet 886, MedGen C2931213, MONDO:0011558, OMIM 605472.
Febrile seizures, familial, 4 (FEB4). Also called: CONVULSIONS, FAMILIAL FEBRILE, 4. Identifiers: MedGen C1858493, MONDO:0011443, OMIM 604352.

Allele frequency attached by ClinVar (database versions not stated): gnomAD exomes 0.00008 and 0.00014; gnomAD 0.00009; ExAC 0.00010; TOPMed 0.00011; ESP Exome Variant Server 0.00025.
gnomAD v4.1: 213 of 1,563,534 alleles (0.014%); highest among the groups gnomAD compares: Non-Finnish European, 0.018%; 1 homozygote.

Submissions (8):

PreventionGenetics, part of Exact Sciences
Classification: Uncertain significance for ADGRV1-related condition. Last evaluated: 2026-03-17. Review status: criteria provided, single submitter. Criteria: ACMG Guidelines, 2015. Collection method: clinical testing. Allele origin: germline.
Comment: The ADGRV1 c.12128T>C variant is predicted to result in the amino acid substitution p.Ile4043Thr. To our knowledge, this variant has not been reported in the literature. This variant is reported in 0.018% of alleles in individuals of European (Non-Finnish) descent in gnomAD. At this time, the clinical significance of this variant is uncertain due to the absence of conclusive functional and genetic evidence.

Labcorp Genetics (formerly Invitae), Labcorp
Classification: Likely benign. Last evaluated: 2026-01-09. Review status: criteria provided, single submitter. Criteria: Invitae Variant Classification Sherloc (09022015). Collection method: clinical testing. Allele origin: germline.

Blueprint Genetics
Classification: Uncertain significance. Last evaluated: 2024-11-21. Review status: criteria provided, single submitter. Criteria: ACMG Guidelines, 2015. Collection method: clinical testing. Allele origin: germline.

GeneDx
Classification: Uncertain significance. Last evaluated: 2023-03-24. Review status: criteria provided, single submitter. Criteria: GeneDx Variant Classification Process June 2021. Collection method: clinical testing. Allele origin: germline. Affected: yes.
Comment: In silico analysis supports that this missense variant does not alter protein structure/function; Has not been previously published as pathogenic or benign to our knowledge

Fulgent Genetics
Classification: Uncertain significance for Febrile seizures, familial, 4; Usher syndrome type 2C. Last evaluated: 2018-10-31. Review status: criteria provided, single submitter. Criteria: ACMG Guidelines, 2015. Collection method: clinical testing. Allele origin: unknown.

Laboratory for Molecular Medicine, Mass General Brigham Personalized Medicine
Classification: Likely benign. Last evaluated: 2018-05-15. Review status: criteria provided, single submitter. Criteria: LMM Criteria. Collection method: clinical testing. Allele origin: germline. Observed: 3 variant alleles.
Comment: The p.Ile4043Thr variant in ADGRV1 has been previously reported by our laborator y in the heterozygous state in 3 individuals with hearing loss, but a variant af fecting the remaining copy of the gene was not identified. This variant has been identified in 21/122272 European chromosomes by the Genome Aggregation Database (gnomAD; dbSNP rs375632680). Computational p rediction tools and conservation analysis suggest that the p.Ile4043Thr variant may not impact the protein with the site poorly conserved. Also, this gene is hi ghly polymorphic with very few pathogenic missense variants. In summary, this va riant meets criteria to be classified as likely benign. ACMG/AMP Criteria applie d: PM2_Supporting, BP4.

Athena Diagnostics
Classification: Uncertain significance. Last evaluated: 2018-01-24. Review status: criteria provided, single submitter. Criteria: Athena Diagnostics Criteria. Collection method: clinical testing. Allele origin: germline.

Illumina Laboratory Services, Illumina
Classification: Uncertain significance for Usher syndrome type 2C. Last evaluated: 2018-01-13. Review status: criteria provided, single submitter. Criteria: ICSL Variant Classification Criteria 13 December 2019. Collection method: clinical testing. Allele origin: germline.

NM_032119.4(ADGRV1):c.12128T>C (p.Ile4043Thr)

Gene: ADGRV1 (adhesion G protein-coupled receptor V1; plus strand). Cytogenetic location: 5q14.3.
Variant type: single nucleotide variant.
Coding change: c.12128T>C on transcript NM_032119.4 (MANE Select); coding-DNA position 12128, T replaced by C.
Protein change: p.Ile4043Thr; replaces isoleucine 4043 with threonine.
Molecular consequence: missense variant. On other transcripts: non-coding transcript variant (1).
Genome position (GRCh38, 1-based): chr5:90,763,312, T>C. VCF-style: chr5-90763312-T-C. GRCh37 (hg19) VCF-style: chr5-90059129-T-C.
Other names: short protein forms I4043T.
Identifiers: ClinVar variation 228706 (VCV000228706.18), dbSNP rs375632680, ClinGen allele CA3341161.
Genomic context (GRCh38, chr5:90,763,312, plus strand): 5'-CTGCTCTTTTTGTTTTTTTTTTTGTTTGGCCTTACTGAATTTTCTTCTTTCAGGTAATGA[T>C]TGATGAATCCCTTTCATCCGATGACCCTGATTCATATGTGACATTGACGGTTGTCCGGTC-3'
Protein context (NP_115495.3, residues 4033-4053): VFGFEEKTVM[Ile4043Thr]DESLSSDDPD